The following is an entry in ClinVar:

NM_033409.4(SLC52A3):c.754G>A (p.Val252Met)

Gene: SLC52A3 (solute carrier family 52 member 3; minus strand). Cytogenetic location: 20p13.
Variant type: single nucleotide variant.
Coding change: c.754G>A on transcript NM_033409.4 (MANE Select); coding-DNA position 754, G replaced by A.
Protein change: p.Val252Met; replaces valine 252 with methionine.
Molecular consequence: missense variant.
Genome position (GRCh38, 1-based): chr20:763,817, C>T on the plus strand (G>A on the coding strand, the complement: SLC52A3 is on the minus strand). VCF-style: chr20-763817-C-T. GRCh37 (hg19) VCF-style: chr20-744461-C-T.
Other names: c.754G>A, p.Val252Met (NM_001370085.1, NM_001370086.1); short protein forms V252M.
Identifiers: ClinVar variation 659119 (VCV000659119.7), dbSNP rs757318492, ClinGen allele CA9724691.

ClinVar aggregate classification (germline): Uncertain significance. Review status: criteria provided, multiple submitters, no conflicts (2 of 4 stars). 2 submissions from 2 submitters: Uncertain significance (2). Last evaluated 2025-10-08.

Conditions:
Brown-Vialetto-van Laere syndrome 1. Also called: BROWN-VIALETTO-VAN LAERE SYNDROME 1, MILD; BULBAR PALSY, PROGRESSIVE, WITH SENSORINEURAL DEAFNESS; PONTOBULBAR PALSY WITH DEAFNESS. Identifiers: Orphanet 572550, Orphanet 97229, MedGen C0796274, MONDO:0024537, OMIM 211530.
Inborn genetic diseases. Identifiers: MedGen C0950123, MeSH D030342.

Allele frequency attached by ClinVar (database versions not stated): gnomAD exomes 0.00001; ExAC 0.00001.

Submissions (2):

Ambry Genetics
Classification: Uncertain significance for Inborn genetic diseases. Last evaluated: 2025-10-08. Review status: criteria provided, single submitter. Criteria: Ambry Variant Classification Scheme 2023. Collection method: clinical testing. Allele origin: germline.

Labcorp Genetics (formerly Invitae), Labcorp
Classification: Uncertain significance for Brown-Vialetto-van Laere syndrome 1. Last evaluated: 2022-08-16. Review status: criteria provided, single submitter. Criteria: Invitae Variant Classification Sherloc (09022015). Collection method: clinical testing. Allele origin: germline.
Comment: This sequence change replaces valine, which is neutral and non-polar, with methionine, which is neutral and non-polar, at codon 252 of the SLC52A3 protein (p.Val252Met). This variant is present in population databases (rs757318492, gnomAD 0.006%). This variant has not been reported in the literature in individuals affected with SLC52A3-related conditions. ClinVar contains an entry for this variant (Variation ID: 659119). Algorithms developed to predict the effect of missense changes on protein structure and function (SIFT, PolyPhen-2, Align-GVGD) all suggest that this variant is likely to be tolerated. In summary, the available evidence is currently insufficient to determine the role of this variant in disease. Therefore, it has been classified as a Variant of Uncertain Significance.